The following is an entry in ClinVar:

NM_001079802.2(FKTN):c.165+3A>G

Gene: FKTN (fukutin; plus strand). Cytogenetic location: 9q31.2.
Variant type: single nucleotide variant.
Coding change: c.165+3A>G on transcript NM_001079802.2 (MANE Select); 3 bases into the intron after coding-DNA position 165, A replaced by G.
Molecular consequence: intron variant.
Genome position (GRCh38, 1-based): chr9:105,596,660, A>G. VCF-style: chr9-105596660-A-G. GRCh37 (hg19) VCF-style: chr9-108358941-A-G.
Other names: c.165+3A>G (NM_006731.2, NM_001351496.2, NM_001198963.2 and 1 more transcripts); c.-350+3A>G (NM_001351502.2, NM_001351499.2, NM_001351500.2 and 1 more transcripts); c.-3+3A>G (NM_001351497.2).
Identifiers: ClinVar variation 1990033 (VCV001990033.1), dbSNP rs1157991290, ClinGen allele CA1127707183.
Genomic context (GRCh38, chr9:105,596,660, plus strand): 5'-TGGAGCTGGTTTGTCAAAATCCAAAGGAAGCCGAATTGGATTTGATAGCACACAGTGGGT[A>G]TGTAGAATAAACAAGAAATTTCTCAATTATAATGTTCATTTAGTTCATTCATTTACTCCG-3'

ClinVar aggregate classification (germline): Uncertain significance (1 of 4 stars; one submission).

Conditions:
Walker-Warburg congenital muscular dystrophy. Also called: Muscular dystrophy-dystroglycanopathy, type A; Walker-Warburg syndrome. Identifiers: Orphanet 899, MedGen C0265221, MONDO:0000171.

Allele frequency attached by ClinVar (database versions not stated): gnomAD 0.00001.

Submission:

Labcorp Genetics (formerly Invitae), Labcorp
Classification: Uncertain significance for Walker-Warburg congenital muscular dystrophy. Last evaluated: 2022-07-21. Review status: criteria provided, single submitter. Criteria: Invitae Variant Classification Sherloc (09022015). Collection method: clinical testing. Allele origin: germline.
Comment: This sequence change falls in intron 4 of the FKTN gene. It does not directly change the encoded amino acid sequence of the FKTN protein. It affects a nucleotide within the consensus splice site. This variant is not present in population databases (gnomAD no frequency). This variant has not been reported in the literature in individuals affected with FKTN-related conditions. Variants that disrupt the consensus splice site are a relatively common cause of aberrant splicing (PMID: 17576681, 9536098). Algorithms developed to predict the effect of sequence changes on RNA splicing suggest that this variant may disrupt the consensus splice site. In summary, the available evidence is currently insufficient to determine the role of this variant in disease. Therefore, it has been classified as a Variant of Uncertain Significance.

Literature cited by the submitters: PubMed 17576681; PubMed 9536098.